The following is an entry in ClinVar:

NM_001353345.2(SETD1B):c.24C>G (p.His8Gln)

Gene: SETD1B (SET domain containing 1B, histone lysine methyltransferase; plus strand). Cytogenetic location: 12q24.31.
Variant type: single nucleotide variant.
Coding change: c.24C>G on transcript NM_001353345.2 (MANE Select); coding-DNA position 24, C replaced by G.
Protein change: p.His8Gln; replaces histidine 8 with glutamine.
Molecular consequence: missense variant.
Genome position (GRCh38, 1-based): chr12:121,804,761, C>G. VCF-style: chr12-121804761-C-G. GRCh37 (hg19) VCF-style: chr12-122242667-C-G.
Other names: NM_015048.1:c.24C>G; short protein forms H8Q.
Identifiers: ClinVar variation 2637318 (VCV002637318.1), dbSNP rs901546350, ClinGen allele CA386986796.

ClinVar aggregate classification (germline): Uncertain significance (1 of 4 stars; one submission).

Conditions:
SETD1B-related disorder. Also called: SETD1B-related condition.

Submission:

PreventionGenetics, part of Exact Sciences
Classification: Uncertain significance for SETD1B-related condition. Last evaluated: 2022-10-18. Review status: criteria provided, single submitter. Criteria: ACMG Guidelines, 2015. Collection method: clinical testing. Allele origin: germline.
Comment: The SETD1B c.24C>G variant is predicted to result in the amino acid substitution p.His8Gln. To our knowledge, this variant has not been reported in the literature or in a large population database, indicating this variant is rare. At this time, the clinical significance of this variant is uncertain due to the absence of conclusive functional and genetic evidence.